The following is an entry in ClinVar:

ClinVar aggregate classification (germline): Uncertain significance. Review status: criteria provided, multiple submitters, no conflicts (2 of 4 stars). 2 submissions from 2 submitters: Uncertain significance (2). Last evaluated 2023-06-14.

Allele frequency attached by ClinVar (database versions not stated): gnomAD exomes below 0.00001.
gnomAD v4.1: 6 of 1,613,624 alleles (0.00037%); highest among the groups gnomAD compares: Non-Finnish European, 0.00051%; no homozygotes.

Submissions (2):

Labcorp Genetics (formerly Invitae), Labcorp
Classification: Uncertain significance. Last evaluated: 2023-06-14. Review status: criteria provided, single submitter. Criteria: Invitae Variant Classification Sherloc (09022015). Collection method: clinical testing. Allele origin: germline.
Comment: This variant has not been reported in the literature in individuals affected with ZMIZ1-related conditions. This sequence change replaces asparagine, which is neutral and polar, with aspartic acid, which is acidic and polar, at codon 644 of the ZMIZ1 protein (p.Asn644Asp). This variant is not present in population databases (gnomAD no frequency). In summary, the available evidence is currently insufficient to determine the role of this variant in disease. Therefore, it has been classified as a Variant of Uncertain Significance. Advanced modeling of protein sequence and biophysical properties (such as structural, functional, and spatial information, amino acid conservation, physicochemical variation, residue mobility, and thermodynamic stability) performed at Invitae indicates that this missense variant is expected to disrupt ZMIZ1 protein function. ClinVar contains an entry for this variant (Variation ID: 1312001).

GeneDx
Classification: Uncertain significance. Last evaluated: 2020-01-28. Review status: criteria provided, single submitter. Criteria: GeneDx Variant Classification Process June 2021. Collection method: clinical testing. Allele origin: germline. Affected: yes.
Comment: Not observed in large population cohorts (Lek et al., 2016); In silico analysis, which includes protein predictors and evolutionary conservation, supports a deleterious effect; Has not been previously published as pathogenic or benign to our knowledge

NM_020338.4(ZMIZ1):c.1930A>G (p.Asn644Asp)

Gene: ZMIZ1 (zinc finger MIZ-type containing 1; plus strand). Cytogenetic location: 10q22.3.
Variant type: single nucleotide variant.
Coding change: c.1930A>G on transcript NM_020338.4 (MANE Select); coding-DNA position 1930, A replaced by G.
Protein change: p.Asn644Asp; replaces asparagine 644 with aspartic acid.
Molecular consequence: missense variant.
Genome position (GRCh38, 1-based): chr10:79,300,853, A>G. VCF-style: chr10-79300853-A-G. GRCh37 (hg19) VCF-style: chr10-81060610-A-G.
Other names: short protein forms N644D.
Identifiers: ClinVar variation 1312001 (VCV001312001.5), dbSNP rs913706067, ClinGen allele CA377339465.